The following is an entry in ClinVar:

ClinVar aggregate classification (germline): Pathogenic (1 of 4 stars; one submission).

Conditions:
Hydrocephalus, nonsyndromic, autosomal recessive 1 (HYC1). Also called: Hydrocephalus, nonsyndromic, autosomal recessive; Congenital hydrocephalus 1. Identifiers: Orphanet 2185, MedGen C3887608, MONDO:0009360, OMIM 236600.

gnomAD v4.1: 3 of 1,596,788 alleles (0.00019%); highest among the groups gnomAD compares: Non-Finnish European, 0.00026%; no homozygotes.

Submission:

Myriad Genetics, Inc.
Classification: Pathogenic for Hydrocephalus, nonsyndromic, autosomal recessive 1. Last evaluated: 2026-02-23. Review status: criteria provided, single submitter. Criteria: Myriad Autosomal Dominant, Autosomal Recessive and X-Linked Classification Criteria (2023). Collection method: clinical testing. Allele origin: unknown.
Comment: NM_001080414.3(CCDC88C):c.454C>T(Q152*) is expected to be pathogenic in the context of congenital hydrocephalus, CCDC88C-related. This variant is predicted to lead to an abnormal or absent protein product due to the creation of a premature termination codon in CCDC88C, a gene where loss-of-function variants are known to be pathogenic. Please note: this variant was assessed in the context of healthy population screening.

NM_001080414.4(CCDC88C):c.454C>T (p.Gln152Ter)

Gene: CCDC88C (coiled-coil and HOOK domain protein 88C; minus strand). Cytogenetic location: 14q32.11.
Variant type: single nucleotide variant.
Coding change: c.454C>T on transcript NM_001080414.4 (MANE Select); coding-DNA position 454, C replaced by T.
Protein change: p.Gln152Ter; replaces glutamine 152 with a stop codon.
Molecular consequence: nonsense. On other transcripts: non-coding transcript variant (2).
Genome position (GRCh38, 1-based): chr14:91,342,409, G>A on the plus strand (C>T on the coding strand, the complement: CCDC88C is on the minus strand). VCF-style: chr14-91342409-G-A. GRCh37 (hg19) VCF-style: chr14-91808753-G-A.
Other names: short protein forms Q152*.
Identifiers: ClinVar variation 5015596 (VCV005015596.1).